The following is an entry in ClinVar:

ClinVar aggregate classification (germline): Uncertain significance (1 of 4 stars; one submission).

Conditions:
Mucopolysaccharidosis, MPS-I-H/S. Also called: Mucopolysaccharidosis type IH/S. Identifiers: Orphanet 93476, MedGen C0086431, MONDO:0011759, OMIM 607015.
Mucopolysaccharidosis, MPS-I-S. Also called: MPS V; MUCOPOLYSACCHARIDOSIS TYPE V; Scheie Syndrome; MUCOPOLYSACCHARIDOSIS TYPE IS. Identifiers: Orphanet 93474, MedGen C0026708, MONDO:0011760, OMIM 607016.
Hurler syndrome. Also called: Gargoylism, Hurler Syndrome; MUCOPOLYSACCHARIDOSIS TYPE IH; Severe MPS I (Hurler Syndrome). Identifiers: Orphanet 93473, MedGen C0086795, MONDO:0011758, OMIM 607014.

Submission:

Juno Genomics, Hangzhou Juno Genomics, Inc
Classification: Uncertain significance for Hurler syndrome; Mucopolysaccharidosis, MPS-I-H/S; Mucopolysaccharidosis, MPS-I-S. Review status: criteria provided, single submitter. Criteria: ACMG Guidelines, 2015. Collection method: clinical testing. Allele origin: germline. Affected: yes.
Comment: Absent from controls (or at extremely low frequency if recessive) in Genome Aggregation Database, Exome Sequencing Project, 1000 Genomes Project, or Exome Aggregation Consortium.;Multiple lines of computational evidence support a deleterious effect on the gene or gene product (conservation, evolutionary, splicing impact, etc).;Patient's phenotype or family history is highly specific for a disease with a single genetic etiology.

NM_000203.5(IDUA):c.159-9T>A

Genes: IDUA (alpha-L-iduronidase; plus strand), SLC26A1 (solute carrier family 26 member 1; minus strand). Cytogenetic location: 4p16.3.
Variant type: single nucleotide variant.
Coding change: c.159-9T>A on transcript NM_000203.5 (MANE Select); 9 bases into the intron before coding-DNA position 159, T replaced by A.
Molecular consequence: intron variant. On other transcripts: 3 prime UTR variant (2).
Genome position (GRCh38, 1-based): chr4:987,800, T>A. VCF-style: chr4-987800-T-A. GRCh37 (hg19) VCF-style: chr4-981588-T-A.
Other names: c.*1033A>T (NM_213613.4, NM_022042.4); c.576+3328A>T (NM_134425.4).
Identifiers: ClinVar variation 3382468 (VCV003382468.2).